The following is an entry in ClinVar:

NM_022081.6(HPS4):c.1102G>A (p.Asp368Asn)

Gene: HPS4 (HPS4 biogenesis of lysosomal organelles complex 3 subunit 2; minus strand). Cytogenetic location: 22q12.1.
Variant type: single nucleotide variant.
Coding change: c.1102G>A on transcript NM_022081.6 (MANE Select); coding-DNA position 1102, G replaced by A.
Protein change: p.Asp368Asn; replaces aspartic acid 368 with asparagine.
Molecular consequence: missense variant. On other transcripts: non-coding transcript variant (8).
Genome position (GRCh38, 1-based): chr22:26,464,528, C>T on the plus strand (G>A on the coding strand, the complement: HPS4 is on the minus strand). VCF-style: chr22-26464528-C-T. GRCh37 (hg19) VCF-style: chr22-26860494-C-T.
Other names: c.1102G>A, p.Asp368Asn (NM_001349896.1, NM_001349898.2, NM_001349899.2 and 4 more transcripts); c.1156G>A, p.Asp386Asn (NM_001349900.2, NM_001349901.1); c.1087G>A, p.Asp363Asn (NM_152841.2); short protein forms D363N, D368N, D386N.
Identifiers: ClinVar variation 1515422 (VCV001515422.3), dbSNP rs376253108, ClinGen allele CA10163404.

ClinVar aggregate classification (germline): Uncertain significance (1 of 4 stars; one submission).

Allele frequency attached by ClinVar (database versions not stated): ExAC 0.00001; ESP Exome Variant Server 0.00008.
gnomAD v4.1: 11 of 1,614,038 alleles (0.00068%); highest among the groups gnomAD compares: African/African-American, 0.0013%; no homozygotes.

Submission:

Labcorp Genetics (formerly Invitae), Labcorp
Classification: Uncertain significance. Last evaluated: 2022-08-23. Review status: criteria provided, single submitter. Criteria: Invitae Variant Classification Sherloc (09022015). Collection method: clinical testing. Allele origin: germline.
Comment: This sequence change replaces aspartic acid, which is acidic and polar, with asparagine, which is neutral and polar, at codon 368 of the HPS4 protein (p.Asp368Asn). This variant is not present in population databases (gnomAD no frequency). This variant has not been reported in the literature in individuals affected with HPS4-related conditions. ClinVar contains an entry for this variant (Variation ID: 1515422). Algorithms developed to predict the effect of missense changes on protein structure and function are either unavailable or do not agree on the potential impact of this missense change (SIFT: "Tolerated"; PolyPhen-2: "Possibly Damaging"; Align-GVGD: "Class C0"). In summary, the available evidence is currently insufficient to determine the role of this variant in disease. Therefore, it has been classified as a Variant of Uncertain Significance.